The following is an entry in ClinVar:

ClinVar aggregate classification (germline): Uncertain significance (1 of 4 stars; one submission).

Conditions:
Duchenne muscular dystrophy (DMD). Also called: MUSCULAR DYSTROPHY, PSEUDOHYPERTROPHIC PROGRESSIVE, DUCHENNE TYPE; Duchenne Muscular Dystrophy (DMD). Identifiers: Orphanet 98896, MedGen C0013264, MONDO:0010679, OMIM 310200.

Submission:

Labcorp Genetics (formerly Invitae), Labcorp
Classification: Uncertain significance for Duchenne muscular dystrophy. Last evaluated: 2025-07-21. Review status: criteria provided, single submitter. Criteria: Invitae Variant Classification Sherloc (09022015). Collection method: clinical testing. Allele origin: germline.
Comment: This sequence change replaces cysteine, which is neutral and slightly polar, with serine, which is neutral and polar, at codon 3120 of the DMD protein (p.Cys3120Ser). This variant is not present in population databases (gnomAD no frequency). This variant has not been reported in the literature in individuals affected with DMD-related conditions. ClinVar contains an entry for this variant (Variation ID: 1936339). Invitae Evidence Modeling of protein sequence and biophysical properties (such as structural, functional, and spatial information, amino acid conservation, physicochemical variation, residue mobility, and thermodynamic stability) indicates that this missense variant is not expected to disrupt DMD protein function with a negative predictive value of 95%. In summary, the available evidence is currently insufficient to determine the role of this variant in disease. Therefore, it has been classified as a Variant of Uncertain Significance.

NM_004006.3(DMD):c.9358T>A (p.Cys3120Ser)

Gene: DMD (dystrophin; minus strand). Cytogenetic location: Xp21.2.
Variant type: single nucleotide variant.
Coding change: c.9358T>A on transcript NM_004006.3 (MANE Select); coding-DNA position 9358, T replaced by A.
Protein change: p.Cys3120Ser; replaces cysteine 3120 with serine.
Molecular consequence: missense variant.
Genome position (GRCh38, 1-based): chrX:31,223,050, A>T on the plus strand (T>A on the coding strand, the complement: DMD is on the minus strand). VCF-style: chrX-31223050-A-T. GRCh37 (hg19) VCF-style: chrX-31241167-A-T.
Other names: c.9334T>A, p.Cys3112Ser (NM_000109.4); c.9346T>A, p.Cys3116Ser (NM_004009.3); c.8989T>A, p.Cys2997Ser (NM_004010.3); c.5335T>A, p.Cys1779Ser (NM_004011.4); c.5326T>A, p.Cys1776Ser (NM_004012.4); c.1978T>A, p.Cys660Ser (NM_004013.3, NM_004020.4, NM_004021.3 and 2 more transcripts); c.1171T>A, p.Cys391Ser (NM_004014.3); c.154T>A, p.Cys52Ser (NM_004015.3, NM_004016.3, NM_004017.3 and 2 more transcripts); short protein forms C1779S, C52S, C3120S, C2997S, C3112S, C3116S, C391S, C660S.
Identifiers: ClinVar variation 1936339 (VCV001936339.5), dbSNP rs2522089993, ClinGen allele CA412650795.